The following is an entry in ClinVar:

NM_000093.5(COL5A1):c.3311C>T (p.Pro1104Leu)

Gene: COL5A1 (collagen type V alpha 1 chain; plus strand). Cytogenetic location: 9q34.3.
Variant type: single nucleotide variant.
Coding change: c.3311C>T on transcript NM_000093.5 (MANE Select); coding-DNA position 3311, C replaced by T.
Protein change: p.Pro1104Leu; replaces proline 1104 with leucine.
Molecular consequence: missense variant.
Genome position (GRCh38, 1-based): chr9:134,806,241, C>T. VCF-style: chr9-134806241-C-T. GRCh37 (hg19) VCF-style: chr9-137698087-C-T.
Other names: c.3311C>T, p.Pro1104Leu (NM_001278074.1); short protein forms P1104L.
Identifiers: ClinVar variation 4995896 (VCV004995896.1).
Genomic context (GRCh38, chr9:134,806,241, plus strand): 5'-CACCTCAGGGATCTCCAGGGGAGAGAGGTCCAGCTGGAGCCGCTGGGCCCATCGGAATTC[C>T]AGGGAGACCTGGGCCCCAGGGACCCCCAGGGCCGGCAGGAGAGAAAGGGGCTCCTGTAAG-3'
Protein context (NP_000084.3, residues 1094-1114): PAGAAGPIGI[Pro1104Leu]GRPGPQGPPG

ClinVar aggregate classification (germline): Uncertain significance (1 of 4 stars; one submission).

Conditions:
COL5A1-related disorder. Also called: COL5A1-related condition.

gnomAD v4.1: 2 of 1,550,292 alleles (0.00013%); highest among the groups gnomAD compares: Non-Finnish European, 0.00017%; no homozygotes.

Submission:

PreventionGenetics, part of Exact Sciences
Classification: Uncertain significance for COL5A1-related condition. Last evaluated: 2026-02-05. Review status: criteria provided, single submitter. Criteria: ACMG Guidelines, 2015. Collection method: clinical testing. Allele origin: germline.
Comment: The COL5A1 c.3311C>T variant is predicted to result in the amino acid substitution p.Pro1104Leu. To our knowledge, this variant has not been reported in the literature. This variant is reported in 0.0065% of alleles in individuals of European (Non-Finnish) descent in gnomAD. At this time, the clinical significance of this variant is uncertain due to the absence of conclusive functional and genetic evidence.